The following is an entry in ClinVar:

NM_025114.4(CEP290):c.2801G>A (p.Cys934Tyr)

Gene: CEP290 (centrosomal protein 290; minus strand). Cytogenetic location: 12q21.32.
Variant type: single nucleotide variant.
Coding change: c.2801G>A on transcript NM_025114.4 (MANE Select); coding-DNA position 2801, G replaced by A.
Protein change: p.Cys934Tyr; replaces cysteine 934 with tyrosine.
Molecular consequence: missense variant.
Genome position (GRCh38, 1-based): chr12:88,106,691, C>T on the plus strand (G>A on the coding strand, the complement: CEP290 is on the minus strand). VCF-style: chr12-88106691-C-T. GRCh37 (hg19) VCF-style: chr12-88500468-C-T.
Other names: short protein forms C934Y.
Identifiers: ClinVar variation 4613269 (VCV004613269.3).

ClinVar aggregate classification (germline): Uncertain significance. Review status: criteria provided, multiple submitters, no conflicts (2 of 4 stars). 3 submissions from 3 submitters: Uncertain significance (3). Last evaluated 2026-01-16.

Conditions:
Inborn genetic diseases. Identifiers: MedGen C0950123, MeSH D030342.
CEP290-related disorder. Also called: CEP290-related disorders; CEP290-related condition. Identifiers: MedGen CN239314.

gnomAD v4.1: 8 of 1,606,896 alleles (0.0005%); highest among the groups gnomAD compares: Middle Eastern, 0.017%; no homozygotes.

Submissions (3):

PreventionGenetics, part of Exact Sciences
Classification: Uncertain significance for CEP290-related condition. Last evaluated: 2026-01-16. Review status: criteria provided, single submitter. Criteria: ACMG Guidelines, 2015. Collection method: clinical testing. Allele origin: germline.
Comment: The CEP290 c.2801G>A variant is predicted to result in the amino acid substitution p.Cys934Tyr. This variant was reported in the compound heterozygous state in an individual with chronic kidney disease (Table S6, Becherucci et al. 2023. PubMed ID: 36753701). This variant is reported in 0.010% of alleles in individuals of Ashkenazi Jewish descent in gnomAD. At this time, the clinical significance of this variant is uncertain due to the absence of conclusive functional and genetic evidence.

Ambry Genetics
Classification: Uncertain significance for Inborn genetic diseases. Last evaluated: 2025-10-01. Review status: criteria provided, single submitter. Criteria: Ambry Variant Classification Scheme 2023. Collection method: clinical testing. Allele origin: germline.

Blueprint Genetics
Classification: Uncertain significance. Last evaluated: 2022-06-08. Review status: criteria provided, single submitter. Criteria: ACMG Guidelines, 2015. Collection method: clinical testing. Allele origin: germline.